The following is an entry in ClinVar:

NM_003072.5(SMARCA4):c.2438+8C>T

Gene: SMARCA4 (SWI/SNF related BAF chromatin remodeling complex subunit ATPase 4; plus strand). Cytogenetic location: 19p13.2.
Variant type: single nucleotide variant.
Coding change: c.2438+8C>T on transcript NM_003072.5 (MANE Select); 8 bases into the intron after coding-DNA position 2438, C replaced by T.
Molecular consequence: intron variant.
Genome position (GRCh38, 1-based): chr19:11,013,120, C>T. VCF-style: chr19-11013120-C-T. GRCh37 (hg19) VCF-style: chr19-11123796-C-T.
Other names: c.2438+8C>T (NM_001128844.3, NM_001128849.3, NM_001128847.4 and 5 more transcripts).
Identifiers: ClinVar variation 1618482 (VCV001618482.9), dbSNP rs777197996, ClinGen allele CA632115323.

ClinVar aggregate classification (germline): Likely benign. Review status: criteria provided, multiple submitters, no conflicts (2 of 4 stars). 2 submissions from 2 submitters: Likely benign (2). Last evaluated 2026-07-07.

Conditions:
Rhabdoid tumor predisposition syndrome 2 (RTPS2). Identifiers: Orphanet 231108, Orphanet 69077, MedGen C2750074, MONDO:0013224, OMIM 613325.

Allele frequency attached by ClinVar (database versions not stated): TOPMed below 0.00001.
gnomAD v4.1: 5 of 1,613,914 alleles (0.00031%); highest among the groups gnomAD compares: East Asian, 0.0022%; no homozygotes.

Submissions (2):

Myriad Genetics, Inc.
Classification: Likely benign for Rhabdoid tumor predisposition syndrome 2. Last evaluated: 2026-07-07. Review status: criteria provided, single submitter. Criteria: Myriad Autosomal Dominant, Autosomal Recessive and X-Linked Classification Criteria (2023). Collection method: clinical testing. Allele origin: unknown.
Comment: This variant is considered likely benign. This variant is intronic and is not expected to impact mRNA splicing.

Labcorp Genetics (formerly Invitae), Labcorp
Classification: Likely benign for Rhabdoid tumor predisposition syndrome 2. Last evaluated: 2024-11-19. Review status: criteria provided, single submitter. Criteria: Invitae Variant Classification Sherloc (09022015). Collection method: clinical testing. Allele origin: germline.